The following is an entry in ClinVar:

ClinVar aggregate classification (germline): Likely pathogenic (1 of 4 stars; one submission).

Conditions:
Hypertrophic cardiomyopathy 4. Also called: Familial hypertrophic cardiomyopathy 4. Identifiers: MedGen C1861862, MONDO:0007268, OMIM 115197.

Submission:

Rady Children's Institute for Genomic Medicine, Rady Children's Hospital San Diego
Classification: Likely pathogenic for CARDIOMYOPATHY, FAMILIAL HYPERTROPHIC, 4. Last evaluated: 2016-12-09. Review status: criteria provided, single submitter. Criteria: ACMG Guidelines, 2015. Collection method: clinical testing. Allele origin: germline. Affected: yes. Observed: 1 variant allele.
Comment: The c.3184delG (p.Val1026LeufsTer13) variant is a frameshifting variant that is predicted to result in the premature truncation of the MYBPC3 protein. This variant was not previously reported in the literature and was not found in the 1000 Genomes, Exome Variant Server (EVS), and Exome Aggregation Consortium (ExAC) databases. Based on the predicted impact of this frameshifting variant, the p.Val1026LeufsTer13 variant is classified as likely pathogenic.

NM_000256.3(MYBPC3):c.3184del (p.Val1062fs)

Gene: MYBPC3 (myosin binding protein C3; minus strand). Cytogenetic location: 11p11.2.
Variant type: Deletion.
Coding change: c.3184del on transcript NM_000256.3 (MANE Select); coding-DNA position 3184, one base deleted (G; older notation c.3184delG).
Protein change: p.Val1062fs; shifts the reading frame from valine 1062.
Molecular consequence: frameshift variant.
Genome position (GRCh38, 1-based): chr11:47,333,563, C deleted on the plus strand (G on the coding strand, the reverse complement: MYBPC3 is on the minus strand); the first of 2 consecutive C bases (chr11:47,333,563-47,333,564); deleting either gives the same sequence. VCF-style (leftmost placement, unchanged base first): chr11-47333562-AC-A. GRCh37 (hg19) VCF-style: chr11-47355113-AC-A.
Other names: c.3184delG (NM_000256.3); short protein forms V1062fs.
Identifiers: ClinVar variation 691987 (VCV000691987.1), dbSNP rs1595841736, ClinGen allele CA915948130.
Genomic context (GRCh38, chr11:47,333,562, plus strand): 5'-CAGCCCAGCCCAGGGAAGGGAAACAAGGGGGCTCAAGGAGGCCTTGGCCACGCACCAACA[AC>A]CTGCAGCACCAGCGTGGCCTTGTCCTCCATGTTCTCAATGCGCACCGTCACCTGGTAAGT-3'